The following is an entry in ClinVar:

ClinVar aggregate classification (germline): Likely benign. Review status: criteria provided, multiple submitters, no conflicts (2 of 4 stars). 5 submissions from 5 submitters: Likely benign (5). Last evaluated 2025-12-09.

Conditions:
Cardiovascular phenotype. Identifiers: MedGen CN230736.
Cardiomyopathy (CMYO). Also called: Cardiomyopathies. Identifiers: Orphanet 167848, MedGen C0878544, MONDO:0004994, HP:0001638. Inheritance: Various modes of inheritance.
Arrhythmogenic right ventricular cardiomyopathy (ARVD). Also called: Arrhythmogenic cardiomyopathy; Cardiomyopathy, ARVC; Arrhythmogenic right ventricular dysplasia; Arrhythmogenic Right Ventricular Cardiomyopathy (ARVC). Identifiers: Orphanet 247, MedGen C0349788, MeSH D019571, MONDO:0016587. Disease mechanism: loss of function. Inheritance: Various modes of inheritance.
Arrhythmogenic right ventricular dysplasia 9 (ARVD9). Also called: Arrhythmogenic Right Ventricular Dysplasia/Cardiomyopathy 9; ARRHYTHMOGENIC RIGHT VENTRICULAR DYSPLASIA, FAMILIAL, 9. Identifiers: MedGen C1836906, MONDO:0012180, OMIM 609040.

Allele frequency attached by ClinVar (database versions not stated): gnomAD 0.00001; ExAC 0.00004.

Submissions (5):

Labcorp Genetics (formerly Invitae), Labcorp
Classification: Likely benign for Arrhythmogenic right ventricular dysplasia 9. Last evaluated: 2025-12-09. Review status: criteria provided, single submitter. Criteria: Invitae Variant Classification Sherloc (09022015). Collection method: clinical testing. Allele origin: germline.

All of Us Research Program, National Institutes of Health
Classification: Likely benign for Arrhythmogenic right ventricular cardiomyopathy. Last evaluated: 2024-07-29. Review status: criteria provided, single submitter. Criteria: ACMG Guidelines, 2015. Collection method: clinical testing. Allele origin: germline. Inheritance: Autosomal dominant inheritance. Observed: 8 variant alleles, 8 heterozygotes.
Comment: This study involves interpretation of variants in research participants for the purpose of population health screening. Participant phenotype was not available at the time of variant classification. Additional details can be found in publication PMID: 35346344, PMCID: PMC8962531

Ambry Genetics
Classification: Likely benign for Cardiovascular phenotype. Last evaluated: 2020-01-28. Review status: criteria provided, single submitter. Criteria: Ambry Variant Classification Scheme 2023. Collection method: clinical testing. Allele origin: germline.

Color Diagnostics, LLC DBA Color Health
Classification: Likely benign for Cardiomyopathy. Last evaluated: 2019-09-04. Review status: criteria provided, single submitter. Criteria: ACMG Guidelines, 2015. Collection method: clinical testing. Allele origin: germline.

Breakthrough Genomics
Classification: Likely benign. Review status: criteria provided, single submitter. Criteria: ACMG Guidelines, 2015. Collection method: not provided. Allele origin: germline. Inheritance: Autosomal dominant inheritance. Affected: yes.

NM_001005242.3(PKP2):c.1379-2023C>T

Gene: PKP2 (plakophilin 2; minus strand). Cytogenetic location: 12p11.21.
Variant type: single nucleotide variant.
Coding change: c.1379-2023C>T on transcript NM_001005242.3 (MANE Select); 2023 bases into the intron before coding-DNA position 1379, C replaced by T.
Molecular consequence: intron variant. On other transcripts: synonymous variant (1).
Genome position (GRCh38, 1-based): chr12:32,843,228, G>A on the plus strand (C>T on the coding strand, the complement: PKP2 is on the minus strand). VCF-style: chr12-32843228-G-A. GRCh37 (hg19) VCF-style: chr12-32996162-G-A.
Other names: c.1464C>T, p.Gly488= (NM_004572.4).
Identifiers: ClinVar variation 138692 (VCV000138692.13), dbSNP rs587781108, ClinGen allele CA010588.